The following is an entry in ClinVar:

NM_001374828.1(ARID1B):c.3164A>G (p.Asn1055Ser)

Gene: ARID1B (AT-rich interaction domain 1B; plus strand). Cytogenetic location: 6q25.3.
Variant type: single nucleotide variant.
Coding change: c.3164A>G on transcript NM_001374828.1 (MANE Select); coding-DNA position 3164, A replaced by G.
Protein change: p.Asn1055Ser; replaces asparagine 1055 with serine.
Molecular consequence: missense variant.
Genome position (GRCh38, 1-based): chr6:157,167,114, A>G. VCF-style: chr6-157167114-A-G. GRCh37 (hg19) VCF-style: chr6-157488248-A-G.
Other names: c.2915A>G, p.Asn972Ser (NM_001346813.1); c.665A>G, p.Asn222Ser (NM_001363725.2); c.3203A>G, p.Asn1068Ser (NM_001371656.1, NM_001374820.1); c.3164A>G, p.Asn1055Ser (NM_017519.3); c.2954A>G, p.Asn985Ser (NM_020732.3); c.2741A>G, p.Asn914Ser (NM_175863.2); short protein forms N1055S, N1068S, N222S, N914S, N972S, N985S.
Identifiers: ClinVar variation 2657061 (VCV002657061.24), dbSNP rs550604212, ClinGen allele CA4067217.

ClinVar aggregate classification (germline): Uncertain significance (1 of 4 stars; one submission).

Allele frequency attached by ClinVar (database versions not stated): gnomAD 0.00001; ExAC 0.00002; 1000 Genomes Project 30x 0.00016; 1000 Genomes Project 0.00020.
gnomAD v4.1: 4 of 1,612,496 alleles (0.00025%); highest among the groups gnomAD compares: South Asian, 0.0044%; no homozygotes.

Submission:

CeGaT Center for Human Genetics Tuebingen
Classification: Uncertain significance. Last evaluated: 2023-10-01. Review status: criteria provided, single submitter. Criteria: CeGaT Center For Human Genetics Tuebingen Variant Classification Criteria Version 2. Collection method: clinical testing. Allele origin: germline. Affected: yes. Observed: 1 variant allele.
Comment: ARID1B: PM2:Supporting, BP4